The following is an entry in ClinVar:

NM_002439.5(MSH3):c.1062A>G (p.Val354=)

Gene: MSH3 (mutS homolog 3; plus strand). Cytogenetic location: 5q14.1.
Variant type: single nucleotide variant.
Coding change: c.1062A>G on transcript NM_002439.5 (MANE Select); coding-DNA position 1062, A replaced by G.
Protein change: p.Val354=; no amino-acid change (valine 354 retained).
Molecular consequence: synonymous variant.
Genome position (GRCh38, 1-based): chr5:80,675,017, A>G. VCF-style: chr5-80675017-A-G. GRCh37 (hg19) VCF-style: chr5-79970836-A-G.
Identifiers: ClinVar variation 3913590 (VCV003913590.1).

ClinVar aggregate classification (germline): Uncertain significance (1 of 4 stars; one submission).

Conditions:
Hereditary cancer-predisposing syndrome. Also called: Hereditary Cancer Syndrome; Hereditary neoplastic syndrome; Neoplastic Syndromes, Hereditary; Tumor predisposition. Identifiers: Orphanet 140162, MedGen C0027672, MeSH D009386, MONDO:0015356.

Submission:

Ambry Genetics
Classification: Uncertain significance for Hereditary cancer-predisposing syndrome. Last evaluated: 2025-04-02. Review status: criteria provided, single submitter. Criteria: Ambry Variant Classification Scheme 2023. Collection method: clinical testing. Allele origin: germline.
Comment: The c.1062A>G variant (also known as p.V354V), located in coding exon 7 of the MSH3 gene, results from an A to G substitution at nucleotide position 1062. This nucleotide substitution does not change the amino acid at codon 354. This nucleotide position is not well conserved in available vertebrate species. In silico splice site analysis for this alteration is inconclusive. Based on the available evidence, the clinical significance of this variant remains unclear.